The following is an entry in ClinVar:

ClinVar aggregate classification (germline): Uncertain significance (1 of 4 stars; one submission).

gnomAD v4.1: 2 of 1,613,980 alleles (0.00012%); highest among the groups gnomAD compares: Non-Finnish European, 0.000085%; no homozygotes.

Submission:

Greenwood Genetic Center Diagnostic Laboratories, Greenwood Genetic Center
Classification: Uncertain significance. Last evaluated: 2026-04-17. Review status: criteria provided, single submitter. Criteria: ACMG Guidelines, 2015. Collection method: clinical testing. Allele origin: germline.
Comment: PM2

NM_001283041.3(USP25):c.1681A>G (p.Asn561Asp)

Gene: USP25 (ubiquitin specific peptidase 25; plus strand). Cytogenetic location: 21q21.1.
Variant type: single nucleotide variant.
Coding change: c.1681A>G on transcript NM_001283041.3 (MANE Select); coding-DNA position 1681, A replaced by G.
Protein change: p.Asn561Asp; replaces asparagine 561 with aspartic acid.
Molecular consequence: missense variant.
Genome position (GRCh38, 1-based): chr21:15,827,191, A>G. VCF-style: chr21-15827191-A-G. GRCh37 (hg19) VCF-style: chr21-17199510-A-G.
Other names: c.1681A>G, p.Asn561Asp (NM_001283042.3, NM_013396.6); c.1018A>G, p.Asn340Asp (NM_001352560.2, NM_001388299.1); c.469A>G, p.Asn157Asp (NM_001352561.2, NM_001388300.1, NM_001388301.1 and 1 more transcripts); short protein forms N157D, N340D, N561D.
Identifiers: ClinVar variation 4891019 (VCV004891019.1).